The following is an entry in ClinVar:

ClinVar aggregate classification (germline): Uncertain significance (1 of 4 stars; one submission).

Conditions:
CREBBP-related disorder. Also called: CREBBP-related disorders; CREBBP-related condition.

Submission:

PreventionGenetics, part of Exact Sciences
Classification: Uncertain significance for CREBBP-related condition. Last evaluated: 2025-09-21. Review status: criteria provided, single submitter. Criteria: ACMG Guidelines, 2015. Collection method: clinical testing. Allele origin: germline.
Comment: The CREBBP c.4895T>C variant is predicted to result in the amino acid substitution p.Phe1632Ser. To our knowledge, this variant has not been reported in the literature or in a large population database (gnomAD), indicating this variant is rare. At this time, the clinical significance of this variant is uncertain due to the absence of conclusive functional and genetic evidence.

NM_004380.3(CREBBP):c.4895T>C (p.Phe1632Ser)

Gene: CREBBP (CREB binding lysine acetyltransferase; minus strand). Cytogenetic location: 16p13.3.
Variant type: single nucleotide variant.
Coding change: c.4895T>C on transcript NM_004380.3 (MANE Select); coding-DNA position 4895, T replaced by C.
Protein change: p.Phe1632Ser; replaces phenylalanine 1632 with serine.
Molecular consequence: missense variant.
Genome position (GRCh38, 1-based): chr16:3,731,469, A>G on the plus strand (T>C on the coding strand, the complement: CREBBP is on the minus strand). VCF-style: chr16-3731469-A-G. GRCh37 (hg19) VCF-style: chr16-3781470-A-G.
Other names: c.4781T>C, p.Phe1594Ser (NM_001079846.1); short protein forms F1632S, F1594S.
Identifiers: ClinVar variation 4995924 (VCV004995924.1).
Genomic context (GRCh38, chr16:3,731,469, plus strand): 5'-GGGTCGACGATGGGGGGCAGGGTGTTGATGACAGGCCCAGCGTGCAGGTGGATCACGAAG[A>G]AGACCTGCAGGAGAGGAGGGGCTTTAGTCCCACACAAGGGACATGGCACCTCCAGTGGTG-3'
Protein context (NP_004371.2, residues 1622-1642): YATMEKHKEV[Phe1632Ser]FVIHLHAGPV